The following is an entry in ClinVar:

ClinVar aggregate classification (germline): Conflicting classifications of pathogenicity. Review status: criteria provided, conflicting classifications (1 of 4 stars). 9 submissions from 9 submitters: Uncertain significance (4); Likely benign (5). Last evaluated 2025-11-05.

Conditions:
PLEC-related disorder. Also called: PLEC-related condition; PLEC-related disorders.
Epidermolysis bullosa simplex 5B, with muscular dystrophy (EBS5B). Also called: EPIDERMOLYSIS BULLOSA SIMPLEX AND LIMB-GIRDLE MUSCULAR DYSTROPHY; Epidermolysis bullosa simplex with muscular dystrophy. Identifiers: Orphanet 257, MedGen C2931072, MONDO:0009181, OMIM 226670.
Epidermolysis bullosa simplex, Ogna type (EBS5A). Also called: Pidermolysis bullosa simplex 5A, Ogna type; EPIDERMOLYSIS BULLOSA SIMPLEX 5A, OGNA TYPE. Identifiers: Orphanet 79401, MedGen C0432317, MONDO:0007555, OMIM 131950.
Autosomal recessive limb-girdle muscular dystrophy type 2Q (LGMDR17). Also called: MUSCULAR DYSTROPHY, LIMB-GIRDLE, AUTOSOMAL RECESSIVE 17. Identifiers: Orphanet 254361, MedGen C3150989, MONDO:0013390, OMIM 613723.
Epidermolysis bullosa simplex with nail dystrophy (EBS5D). Identifiers: MedGen C4225309, MONDO:0014661, OMIM 616487.
Epidermolysis bullosa simplex 5C, with pyloric atresia (EBS5C). Also called: PLEC-Related Epidermolysis Bullosa with Pyloric Atresia; Epidermolysis bullosa simplex with pyloric atresia; PLEC1-Related Epidermolysis Bullosa with Pyloric Atresia. Identifiers: Orphanet 158684, MedGen C2677349, MONDO:0012807, OMIM 612138.
Inborn genetic diseases. Identifiers: MedGen C0950123, MeSH D030342.

Allele frequency attached by ClinVar (database versions not stated): ESP Exome Variant Server 0.00008; gnomAD 0.00026 and 0.00029; 1000 Genomes Project 0.00040; TOPMed 0.00043; 1000 Genomes Project 30x 0.00047.

Submissions (9):

Labcorp Genetics (formerly Invitae), Labcorp
Classification: Likely benign for Autosomal recessive limb-girdle muscular dystrophy type 2Q; Epidermolysis bullosa simplex, Ogna type; Epidermolysis bullosa simplex with nail dystrophy; Epidermolysis bullosa simplex 5C, with pyloric atresia; Epidermolysis bullosa simplex 5B, with muscular dystrophy. Last evaluated: 2025-11-05. Review status: criteria provided, single submitter. Criteria: Invitae Variant Classification Sherloc (09022015). Collection method: clinical testing. Allele origin: germline.

Mayo Clinic Laboratories, Mayo Clinic
Classification: Uncertain significance. Last evaluated: 2025-08-04. Review status: criteria provided, single submitter. Criteria: ACMG Guidelines, 2015. Collection method: clinical testing. Allele origin: germline. Observed: 1 variant allele.
Comment: BP4_moderate

PreventionGenetics, part of Exact Sciences
Classification: Likely benign for PLEC-related condition. Last evaluated: 2025-04-11. Review status: criteria provided, single submitter. Criteria: ACMG Guidelines, 2015. Collection method: clinical testing. Allele origin: germline.
Comment: This variant is classified as likely benign based on ACMG/AMP sequence variant interpretation guidelines (Richards et al. 2015 PMID: 25741868, with internal and published modifications).

Blueprint Genetics
Classification: Likely benign. Last evaluated: 2024-09-10. Review status: criteria provided, single submitter. Criteria: ACMG Guidelines, 2015. Collection method: clinical testing. Allele origin: germline.

Revvity Omics, Revvity
Classification: Likely benign. Last evaluated: 2024-01-03. Review status: criteria provided, single submitter. Criteria: ACMG Guidelines, 2015. Collection method: clinical testing. Allele origin: germline.

Ambry Genetics
Classification: Uncertain significance for Inborn genetic diseases. Last evaluated: 2021-09-01. Review status: criteria provided, single submitter. Criteria: Ambry Variant Classification Scheme 2023. Collection method: clinical testing. Allele origin: germline.

GeneDx
Classification: Likely benign. Last evaluated: 2019-01-16. Review status: criteria provided, single submitter. Criteria: GeneDx Variant Classification Process June 2021. Collection method: clinical testing. Allele origin: germline. Affected: yes.

Athena Diagnostics
Classification: Uncertain significance. Last evaluated: 2017-09-27. Review status: criteria provided, single submitter. Criteria: Athena Diagnostics Criteria. Collection method: clinical testing. Allele origin: germline.

Eurofins Ntd Llc (ga)
Classification: Uncertain significance. Last evaluated: 2017-03-21. Review status: criteria provided, single submitter. Criteria: EGL Classification Definitions 2015. Collection method: clinical testing. Allele origin: germline. Observed: 5 variant alleles, 5 heterozygotes.

NM_201384.3(PLEC):c.9475G>A (p.Ala3159Thr)

Gene: PLEC (plectin; minus strand). Cytogenetic location: 8q24.3.
Variant type: single nucleotide variant.
Coding change: c.9475G>A on transcript NM_201384.3 (MANE Select); coding-DNA position 9475, G replaced by A.
Protein change: p.Ala3159Thr; replaces alanine 3159 with threonine.
Molecular consequence: missense variant.
Genome position (GRCh38, 1-based): chr8:143,920,346, C>T on the plus strand (G>A on the coding strand, the complement: PLEC is on the minus strand). VCF-style: chr8-143920346-C-T. GRCh37 (hg19) VCF-style: chr8-144994514-C-T.
Other names: p.Ala3186Thr; c.9556G>A, p.Ala3186Thr (NM_000445.5); c.9433G>A, p.Ala3145Thr (NM_201378.4); c.9409G>A, p.Ala3137Thr (NM_201379.3); c.9886G>A, p.Ala3296Thr (NM_201380.4); c.9379G>A, p.Ala3127Thr (NM_201381.3); c.9475G>A, p.Ala3159Thr (NM_201382.4); c.9487G>A, p.Ala3163Thr (NM_201383.3); short protein forms A3127T, A3137T, A3145T, A3159T, A3163T, A3186T, A3296T.
Identifiers: ClinVar variation 196844 (VCV000196844.63), dbSNP rs201030020, ClinGen allele CA244496.